The following is an entry in ClinVar:

ClinVar aggregate classification (germline): Uncertain significance (1 of 4 stars; one submission).

Submission:

Labcorp Genetics (formerly Invitae), Labcorp
Classification: Uncertain significance. Last evaluated: 2024-02-17. Review status: criteria provided, single submitter. Criteria: Invitae Variant Classification Sherloc (09022015). Collection method: clinical testing. Allele origin: germline.
Comment: This sequence change falls in intron 16 of the LAMC3 gene. It does not directly change the encoded amino acid sequence of the LAMC3 protein. This variant is not present in population databases (gnomAD no frequency). This variant has not been reported in the literature in individuals affected with LAMC3-related conditions. ClinVar contains an entry for this variant (Variation ID: 1445827). Experimental studies and prediction algorithms are not available or were not evaluated, and the effect of this variant on mRNA splicing is currently unknown. In summary, the available evidence is currently insufficient to determine the role of this variant in disease. Therefore, it has been classified as a Variant of Uncertain Significance.

NM_006059.4(LAMC3):c.2891-2_2891-1insAACCCAGCACGCACTGCCCCTGGCTCCTCTA

Gene: LAMC3 (laminin subunit gamma 3; plus strand). Cytogenetic location: 9q34.12.
Variant type: Insertion.
Coding change: c.2891-2_2891-1insAACCCAGCACGCACTGCCCCTGGCTCCTCTA on transcript NM_006059.4 (MANE Select); the canonical splice acceptor site of the intron before coding-DNA position 2891, AACCCAGCACGCACTGCCCCTGGCTCCTCTA inserted.
Molecular consequence: splice acceptor variant.
Genome position: GRCh38: chr9:131,069,670-131,069,671. GRCh37 (hg19): chr9:133,945,057-133,945,058.
Identifiers: ClinVar variation 1445827 (VCV001445827.8), dbSNP rs2133319359, ClinGen allele CA2573144095.